The following is an entry in ClinVar:

ClinVar aggregate classification (germline): Uncertain significance. Review status: criteria provided, multiple submitters, no conflicts (2 of 4 stars). 2 submissions from 2 submitters: Uncertain significance (2). Last evaluated 2024-01-04.

Conditions:
Inborn genetic diseases. Identifiers: MedGen C0950123, MeSH D030342.

Allele frequency attached by ClinVar (database versions not stated): gnomAD exomes below 0.00001.
gnomAD v4.1: 1 of 1,551,842 alleles (0.000064%); highest among the groups gnomAD compares: East Asian, 0.0024%; no homozygotes.

Submissions (2):

Ambry Genetics
Classification: Uncertain significance for Inborn genetic diseases. Last evaluated: 2024-01-04. Review status: criteria provided, single submitter. Criteria: Ambry Variant Classification Scheme 2023. Collection method: clinical testing. Allele origin: germline.

Labcorp Genetics (formerly Invitae), Labcorp
Classification: Uncertain significance. Last evaluated: 2022-02-05. Review status: criteria provided, single submitter. Criteria: Invitae Variant Classification Sherloc (09022015). Collection method: clinical testing. Allele origin: germline.
Comment: This sequence change replaces glutamine, which is neutral and polar, with histidine, which is basic and polar, at codon 788 of the SLC24A1 protein (p.Gln788His). In summary, the available evidence is currently insufficient to determine the role of this variant in disease. Therefore, it has been classified as a Variant of Uncertain Significance. Algorithms developed to predict the effect of missense changes on protein structure and function are either unavailable or do not agree on the potential impact of this missense change (SIFT: "Deleterious"; PolyPhen-2: "Benign"; Align-GVGD: "Class C0"). This variant has not been reported in the literature in individuals affected with SLC24A1-related conditions. This variant is not present in population databases (gnomAD no frequency).

NM_004727.3(SLC24A1):c.2364A>C (p.Gln788His)

Gene: SLC24A1 (solute carrier family 24 member 1; plus strand). Cytogenetic location: 15q22.31.
Variant type: single nucleotide variant.
Coding change: c.2364A>C on transcript NM_004727.3 (MANE Select); coding-DNA position 2364, A replaced by C.
Protein change: p.Gln788His; replaces glutamine 788 with histidine.
Molecular consequence: missense variant.
Genome position (GRCh38, 1-based): chr15:65,650,513, A>C. VCF-style: chr15-65650513-A-C. GRCh37 (hg19) VCF-style: chr15-65942851-A-C.
Other names: c.345A>C, p.Gln115His (NM_001254740.2); c.2364A>C, p.Gln788His (NM_001301031.1); c.2310A>C, p.Gln770His (NM_001301032.1, NM_001301033.2); c.2364A>C (NM_004727.2); short protein forms Q788H, Q115H, Q770H.
Identifiers: ClinVar variation 1357653 (VCV001357653.9), dbSNP rs368301947, ClinGen allele CA271571215.